The following is an entry in ClinVar:

ClinVar aggregate classification (germline): Benign (1 of 4 stars; one submission).

Conditions:
EPHX1-related disorder. Also called: EPHX1-related condition.

gnomAD v4.1: 2,442 of 1,614,132 alleles (0.15%); highest among the groups gnomAD compares: South Asian, 2.4%; 37 homozygotes.

Submission:

PreventionGenetics, part of Exact Sciences
Classification: Benign for EPHX1-related condition. Last evaluated: 2026-01-23. Review status: criteria provided, single submitter. Criteria: ACMG Guidelines, 2015. Collection method: clinical testing. Allele origin: germline.
Comment: This variant is classified as benign based on ACMG/AMP sequence variant interpretation guidelines (Richards et al. 2015 PMID: 25741868, with internal and published modifications).

NM_001136018.4(EPHX1):c.350A>G (p.Lys117Arg)

Gene: EPHX1 (epoxide hydrolase 1; plus strand). Cytogenetic location: 1q42.12.
Variant type: single nucleotide variant.
Coding change: c.350A>G on transcript NM_001136018.4 (MANE Select); coding-DNA position 350, A replaced by G.
Protein change: p.Lys117Arg; replaces lysine 117 with arginine.
Molecular consequence: missense variant. On other transcripts: non-coding transcript variant (3).
Genome position (GRCh38, 1-based): chr1:225,831,945, A>G. VCF-style: chr1-225831945-A-G. GRCh37 (hg19) VCF-style: chr1-226019646-A-G.
Other names: c.350A>G, p.Lys117Arg (NM_000120.4, NM_001291163.2, NM_001378426.1 and 5 more transcripts); c.323A>G, p.Lys108Arg (NM_001378428.1); short protein forms K108R, K117R.
Identifiers: ClinVar variation 4980338 (VCV004980338.1).